The following is an entry in ClinVar:

NM_024809.5(TCTN2):c.891+54T>A

Gene: TCTN2 (tectonic family member 2; plus strand). Cytogenetic location: 12q24.31.
Variant type: single nucleotide variant.
Coding change: c.891+54T>A on transcript NM_024809.5 (MANE Select); 54 bases into the intron after coding-DNA position 891, T replaced by A.
Molecular consequence: intron variant.
Genome position (GRCh38, 1-based): chr12:123,688,231, T>A. VCF-style: chr12-123688231-T-A. GRCh37 (hg19) VCF-style: chr12-124172778-T-A.
Other names: c.888+54T>A (NM_001143850.3).
Identifiers: ClinVar variation 675015 (VCV000675015.2), dbSNP rs7302458, ClinGen allele CA245162225.
Genomic context (GRCh38, chr12:123,688,231, plus strand): 5'-TCCGCAGGTAATCGTTGCAATATTAGTATGCTAGACCGTTCTCTTTTTTTTTTTTTTTTT[T>A]ATGAGACGGAGTCTCGCTCTTACCTCCTAGGCTCAAGTGCAGTGCCAGATCTCGGCTCAC-3'

ClinVar aggregate classification (germline): Benign. Review status: criteria provided, multiple submitters, no conflicts (2 of 4 stars). 2 submissions from 2 submitters: Benign (2). Last evaluated 2018-06-19.

Allele frequency attached by ClinVar (database versions not stated): TOPMed 0.35528; gnomAD 0.35534 and 0.36206.

Submissions (2):

GeneDx
Classification: Benign. Last evaluated: 2018-06-19. Review status: criteria provided, single submitter. Criteria: GeneDx Variant Classification (06012015). Collection method: clinical testing. Allele origin: germline. Affected: yes.
Comment: This variant is considered likely benign or benign based on one or more of the following criteria: it is a conservative change, it occurs at a poorly conserved position in the protein, it is predicted to be benign by multiple in silico algorithms, and/or has population frequency not consistent with disease.

Breakthrough Genomics
Classification: Benign. Review status: criteria provided, single submitter. Criteria: ACMG Guidelines, 2015. Collection method: not provided. Allele origin: germline. Inheritance: Autosomal recessive inheritance. Affected: yes.